The following is an entry in ClinVar:

ClinVar aggregate classification (germline): Pathogenic (1 of 4 stars; one submission).

Submission:

Labcorp Genetics (formerly Invitae), Labcorp
Classification: Pathogenic. Last evaluated: 2023-03-18. Review status: criteria provided, single submitter. Criteria: Invitae Variant Classification Sherloc (09022015). Collection method: clinical testing. Allele origin: germline.
Comment: This variant has not been reported in the literature in individuals affected with PRDM5-related conditions. This sequence change creates a premature translational stop signal (p.His511Profs*22) in the PRDM5 gene. It is expected to result in an absent or disrupted protein product. Loss-of-function variants in PRDM5 are known to be pathogenic (PMID: 21664999, 26395458). This variant is not present in population databases (gnomAD no frequency). For these reasons, this variant has been classified as Pathogenic.

Literature cited by the submitters: PubMed 21664999; PubMed 26395458.

NM_018699.4(PRDM5):c.1532del (p.His511fs)

Gene: PRDM5 (PR/SET domain 5; minus strand). Cytogenetic location: 4q27.
Variant type: Deletion.
Coding change: c.1532del on transcript NM_018699.4 (MANE Select); coding-DNA position 1532, one base deleted (A; older notation c.1532delA).
Protein change: p.His511fs; shifts the reading frame from histidine 511.
Molecular consequence: frameshift variant.
Genome position (GRCh38, 1-based): chr4:120,777,193, T deleted on the plus strand (A on the coding strand, the reverse complement: PRDM5 is on the minus strand). VCF-style (leftmost placement, unchanged base first): chr4-120777192-GT-G. GRCh37 (hg19) VCF-style: chr4-121698347-GT-G.
Other names: c.1439del, p.His480fs (NM_001300823.2, NM_001300824.2, NM_001379106.1); c.1565del, p.His522fs (NM_001379104.1); short protein forms H480fs, H522fs, H511fs.
Identifiers: ClinVar variation 2847253 (VCV002847253.3), dbSNP rs2477057679, ClinGen allele CA2739270249.